The following is an entry in ClinVar:

ClinVar aggregate classification (germline): Likely benign (1 of 4 stars; one submission).

Conditions:
SEMA3B-related disorder. Also called: SEMA3B-related condition.

gnomAD v4.1: 28 of 1,569,818 alleles (0.0018%); highest among the groups gnomAD compares: African/African-American, 0.037%; no homozygotes.

Submission:

PreventionGenetics, part of Exact Sciences
Classification: Likely benign for SEMA3B-related condition. Last evaluated: 2024-12-21. Review status: criteria provided, single submitter. Criteria: ACMG Guidelines, 2015. Collection method: clinical testing. Allele origin: germline.
Comment: This variant is classified as likely benign based on ACMG/AMP sequence variant interpretation guidelines (Richards et al. 2015 PMID: 25741868, with internal and published modifications).

NM_001290060.2(SEMA3B):c.540G>T (p.Leu180=)

Gene: SEMA3B (semaphorin 3B; plus strand). Cytogenetic location: 3p21.31.
Variant type: single nucleotide variant.
Coding change: c.540G>T on transcript NM_001290060.2 (MANE Select); coding-DNA position 540, G replaced by T.
Protein change: p.Leu180=; no amino-acid change (leucine 180 retained).
Molecular consequence: synonymous variant.
Genome position (GRCh38, 1-based): chr3:50,271,177, G>T. VCF-style: chr3-50271177-G-T. GRCh37 (hg19) VCF-style: chr3-50308608-G-T.
Other names: c.540G>T, p.Leu180= (NM_001005914.3, NM_001290061.1, NM_001435956.1 and 3 more transcripts).
Identifiers: ClinVar variation 4987592 (VCV004987592.1).